The following is an entry in ClinVar:

NM_001723.7(DST):c.7495C>T (p.Arg2499Trp)

Gene: DST (dystonin; minus strand). Cytogenetic location: 6p12.1.
Variant type: single nucleotide variant.
Coding change: c.7495C>T on transcript NM_001723.7 (MANE Plus Clinical); coding-DNA position 7495, C replaced by T.
Protein change: p.Arg2499Trp; replaces arginine 2499 with tryptophan.
Molecular consequence: missense variant. On other transcripts: intron variant (10).
Genome position (GRCh38, 1-based): chr6:56,615,972, G>A on the plus strand (C>T on the coding strand, the complement: DST is on the minus strand). VCF-style: chr6-56615972-G-A. GRCh37 (hg19) VCF-style: chr6-56480770-G-A.
Other names: c.4831-1488C>T (NM_001144769.5); c.4930-1488C>T (NM_001374722.1, NM_001374736.1); c.4957-1488C>T (NM_001374734.1); c.4417-1488C>T (NM_001144770.2); c.4297-1488C>T (NM_001374730.1, NM_001386100.1, NM_183380.4 and 1 more transcripts); c.3319-1488C>T (NM_015548.5); short protein forms R2499W.
Identifiers: ClinVar variation 357547 (VCV000357547.10), dbSNP rs369328276, ClinGen allele CA3869953.
Genomic context (GRCh38, chr6:56,615,972, plus strand): 5'-GTCGCAGCTGCTGGGCAAACCCCTCATCAACCAGGCCTCTATGCAAAGCTTCGGCCACCC[G>A]GTACTTTTTGCCAGTAAGAGGATCAATTATGCCCCCTGTACTGACTTGGGCTTCAAGGCA-3'
Protein context (NP_001714.1, residues 2489-2509): IIDPLTGKKY[Arg2499Trp]VAEALHRGLV

ClinVar aggregate classification (germline): Uncertain significance. Review status: criteria provided, multiple submitters, no conflicts (2 of 4 stars). 3 submissions from 3 submitters: Uncertain significance (3). Last evaluated 2026-04-03.

Conditions:
DST-related disorder. Also called: DST-related condition; DST-related disorders.
Hereditary sensory and autonomic neuropathy type 6. Also called: HSAN VI; Neuropathy, hereditary sensory and autonomic, type VI. Identifiers: Orphanet 314381, MedGen C3539003, MONDO:0013839, OMIM 614653.
Epidermolysis bullosa simplex 3, localized or generalized intermediate, with BP230 deficiency (EBS3). Also called: Epidermolysis bullosa simplex due to BP230 deficiency; Epidermolysis bullosa simplex, autosomal recessive 2. Identifiers: Orphanet 412181, MedGen C3809470, MONDO:0014180, OMIM 615425.

Allele frequency attached by ClinVar (database versions not stated): gnomAD exomes 0.00004 and 0.00007; ExAC 0.00005; gnomAD 0.00010 and 0.00011; TOPMed 0.00011; ESP Exome Variant Server 0.00008.

Submissions (3):

GeneDx
Classification: Uncertain significance. Last evaluated: 2026-04-03. Review status: criteria provided, single submitter. Criteria: GeneDx Variant Classification Process June 2021. Collection method: clinical testing. Allele origin: germline.
Comment: In silico analysis supports that this missense variant has a deleterious effect on protein structure/function; Has not been previously published as pathogenic or benign to our knowledge; Reported using the transcript encoding the epithelial isoform of the gene

PreventionGenetics, part of Exact Sciences
Classification: Uncertain significance for DST-related condition. Last evaluated: 2025-04-02. Review status: criteria provided, single submitter. Criteria: ACMG Guidelines, 2015. Collection method: clinical testing. Allele origin: germline.
Comment: The DST c.7495C>T variant is predicted to result in the amino acid substitution p.Arg2499Trp. To our knowledge, this variant has not been reported in the literature. This variant is reported in 0.024% of alleles in individuals of African descent in gnomAD. At this time, the clinical significance of this variant is uncertain due to the absence of conclusive functional and genetic evidence.

Labcorp Genetics (formerly Invitae), Labcorp
Classification: Uncertain significance for Epidermolysis bullosa simplex 3, localized or generalized intermediate, with BP230 deficiency; Hereditary sensory and autonomic neuropathy type 6. Last evaluated: 2022-07-13. Review status: criteria provided, single submitter. Criteria: Invitae Variant Classification Sherloc (09022015). Collection method: clinical testing. Allele origin: germline.
Comment: This sequence change replaces arginine, which is basic and polar, with tryptophan, which is neutral and slightly polar, at codon 2499 of the DST protein (p.Arg2499Trp). This variant is present in population databases (rs369328276, gnomAD 0.02%). This variant has not been reported in the literature in individuals affected with DST-related conditions. ClinVar contains an entry for this variant (Variation ID: 357547). Algorithms developed to predict the effect of missense changes on protein structure and function are either unavailable or do not agree on the potential impact of this missense change (SIFT: "Deleterious"; PolyPhen-2: "Benign"; Align-GVGD: "Class C65"). In summary, the available evidence is currently insufficient to determine the role of this variant in disease. Therefore, it has been classified as a Variant of Uncertain Significance.